The following is an entry in ClinVar:

ClinVar aggregate classification (germline): Pathogenic (1 of 4 stars; one submission).

Conditions:
CAMTA1-related disorder. Also called: CAMTA1-related condition.

Submission:

GeneDx
Classification: Pathogenic. Last evaluated: 2018-09-07. Review status: criteria provided, single submitter. Criteria: GeneDx Variant Classification (06012015). Collection method: clinical testing. Allele origin: germline. Affected: yes.
Comment: The c.4103_4104delAG variant in the CAMTA1 gene has not been reported previously as a pathogenic variant nor as a benign variant, to our knowledge. The c.4103_4104delAG variant causes a frameshift starting with codon Glutamic acid 1368, changes this amino acid to a Glycine residue, and creates a premature Stop codon at position 11 of the new reading frame, denoted p.Glu1368GlyfsX11. This variant is predicted to cause loss of normal protein function either through protein truncation or nonsense-mediated mRNA decay. The c.4103_4104delAG variant is not observed in large population cohorts (Lek et al., 2016). We interpret c.4103_4104delAG as a pathogenic variant.

NM_015215.4(CAMTA1):c.4103_4104del (p.Glu1368fs)

Genes: CAMTA1 (calmodulin binding transcription activator 1; plus strand), LOC126805603 (CDK7 strongly-dependent group 2 enhancer GRCh37_chr1:7798026-7799225; plus strand). Cytogenetic location: 1p36.23.
Variant type: Microsatellite.
Coding change: c.4103_4104del on transcript NM_015215.4 (MANE Select); coding-DNA positions 4103 to 4104, 2 bases deleted (AG; older notation c.4103_4104delAG).
Protein change: p.Glu1368fs; shifts the reading frame from glutamic acid 1368.
Molecular consequence: frameshift variant.
Genome position (GRCh38, 1-based): chr1:7,738,403-7,738,404, AG deleted; deleting any 2 consecutive bases within chr1:7,738,399-7,738,404 gives the same sequence; the c. name uses the placement nearest the transcript's 3' end. VCF-style (leftmost placement, unchanged base first): chr1-7738398-CAG-C. GRCh37 (hg19) VCF-style: chr1-7798458-CAG-C.
Other names: c.4013_4014del, p.Glu1338fs (NM_001349608.2); c.3764_3765del, p.Glu1255fs (NM_001349609.2, NM_001349610.2); c.3674_3675del, p.Glu1225fs (NM_001349612.2); c.1232_1233del, p.Glu411fs (NM_001349613.1); c.1175_1176del, p.Glu392fs (NM_001349614.1, NM_001349615.2, NM_001349616.2 and 2 more transcripts); c.836_837del, p.Glu279fs (NM_001349619.2, NM_001349620.1, NM_001349621.1 and 5 more transcripts); short protein forms E1255fs, E1338fs, E1225fs, E411fs, E392fs, E1368fs, E279fs.
Identifiers: ClinVar variation 817198 (VCV000817198.3), dbSNP rs1577313897, ClinGen allele CA915941109.